The following is an entry in ClinVar:

NM_000540.3(RYR1):c.4621-9_4621-7del

Gene: RYR1 (ryanodine receptor 1; plus strand). Cytogenetic location: 19q13.2.
Variant type: Microsatellite.
Coding change: c.4621-9_4621-7del on transcript NM_000540.3 (MANE Select); 9 bases into the intron before coding-DNA position 4621 through 7 bases into the intron before coding-DNA position 4621, 3 bases deleted (CTC; older notation c.4621-9_4621-7delCTC).
Molecular consequence: intron variant.
Genome position (GRCh38, 1-based): chr19:38,483,018-38,483,020, CTC deleted; deleting any 3 consecutive bases within chr19:38,483,015-38,483,020 gives the same sequence; the c. name uses the placement nearest the transcript's 3' end. VCF-style (leftmost placement, unchanged base first): chr19-38483014-TCTC-T. GRCh37 (hg19) VCF-style: chr19-38973654-TCTC-T.
Other names: c.4621-9_4621-7del (NM_001042723.2).
Identifiers: ClinVar variation 1091087 (VCV001091087.10), dbSNP rs1413000730, ClinGen allele CA882051924.

ClinVar aggregate classification (germline): Conflicting classifications of pathogenicity. Review status: criteria provided, conflicting classifications (1 of 4 stars). 2 submissions from 2 submitters: Uncertain significance (1); Likely benign (1). Last evaluated 2025-07-25.

Conditions:
RYR1-related disorder. Also called: RYR1-related disorders; RYR1-related condition. Identifiers: MedGen CN239331.
Malignant hyperthermia, susceptibility to, 1 (MHS1). Also called: Anesthesia related hyperthermia; Malignant hyperpyrexia; Fulminating hyperpyrexia; Pharmacogenic myopathy; RYR1-Related Malignant Hyperthermia Susceptibility; Malignant hyperthermia suceptibility 1. Identifiers: Orphanet 423, MedGen C2930980, MONDO:0007783, OMIM 145600.

Submissions (2):

Labcorp Genetics (formerly Invitae), Labcorp
Classification: Likely benign for RYR1-related disorder. Last evaluated: 2025-07-25. Review status: criteria provided, single submitter. Criteria: Invitae Variant Classification Sherloc (09022015). Collection method: clinical testing. Allele origin: germline.

All of Us Research Program, National Institutes of Health
Classification: Uncertain significance for Malignant hyperthermia, susceptibility to, 1. Last evaluated: 2023-11-02. Review status: criteria provided, single submitter. Criteria: ACMG Guidelines, 2015. Collection method: clinical testing. Allele origin: germline. Inheritance: Autosomal dominant inheritance. Observed: 1 variant allele, 1 heterozygote.
Comment: This variant causes the deletion of 3 nucleotides in intron 31 of the RYR1 gene. To our knowledge, functional studies have not been reported for this variant. This variant has not been reported in individuals affected with RYR1-related disorders in the literature. This variant has not been identified in the general population by the Genome Aggregation Database (gnomAD). The available evidence is insufficient to determine the role of this variant in disease conclusively. Therefore, this variant is classified as a Variant of Uncertain Significance.

This study involves interpretation of variants in research participants for the purpose of population health screening. Participant phenotype was not available at the time of variant classification. Additional details can be found in publication PMID: 35346344, PMCID: PMC8962531